The following is an entry in ClinVar:

NM_001164508.2(NEB):c.2648G>A (p.Arg883Gln)

Gene: NEB (nebulin; minus strand). Cytogenetic location: 2q23.3.
Variant type: single nucleotide variant.
Coding change: c.2648G>A on transcript NM_001164508.2 (MANE Select); coding-DNA position 2648, G replaced by A.
Protein change: p.Arg883Gln; replaces arginine 883 with glutamine.
Molecular consequence: missense variant.
Genome position (GRCh38, 1-based): chr2:151,684,965, C>T on the plus strand (G>A on the coding strand, the complement: NEB is on the minus strand). VCF-style: chr2-151684965-C-T. GRCh37 (hg19) VCF-style: chr2-152541479-C-T.
Other names: c.2648G>A, p.Arg883Gln (NM_001164507.2, NM_001271208.2, NM_004543.5); short protein forms R883Q.
Identifiers: ClinVar variation 965331 (VCV000965331.9), dbSNP rs751875993, ClinGen allele CA1911154.
Genomic context (GRCh38, chr2:151,684,965, plus strand): 5'-GTGACTTGGAGCATATCAAGAGGTGCCGTGTAGATAGTTTTTGACTTTTCATAATCTTTT[C>T]GATATTCGCGCTGTGAATAGGAAATTATCATTTATTATCACAAATCCTCGATGGATTTCC-3'
Protein context (NP_001157980.2, residues 873-893): TAKNQSDREY[Arg883Gln]KDYEKSKTIY

ClinVar aggregate classification (germline): Likely benign. Review status: criteria provided, multiple submitters, no conflicts (2 of 4 stars). 2 submissions from 2 submitters: Likely benign (2). Last evaluated 2026-07-01.

Conditions:
Nemaline myopathy 2 (NEM2). Also called: Nemaline myopathy 2, autosomal recessive. Identifiers: MedGen C1850569, MONDO:0009725, OMIM 256030.

Allele frequency attached by ClinVar (database versions not stated): ExAC 0.00001; gnomAD 0.00001; gnomAD exomes 0.00002; TOPMed 0.00003.
gnomAD v4.1: 14 of 1,603,616 alleles (0.00087%); highest among the groups gnomAD compares: South Asian, 0.0067%; no homozygotes.

Submissions (2):

CeGaT Center for Human Genetics Tuebingen
Classification: Likely benign. Last evaluated: 2026-07-01. Review status: criteria provided, single submitter. Criteria: CeGaT Center For Human Genetics Tuebingen Variant Classification Criteria Version 2. Collection method: clinical testing. Allele origin: germline. Affected: yes. Observed: 1 variant allele.
Comment: NEB: BP4

Labcorp Genetics (formerly Invitae), Labcorp
Classification: Likely benign for Nemaline myopathy 2. Last evaluated: 2023-09-21. Review status: criteria provided, single submitter. Criteria: Invitae Variant Classification Sherloc (09022015). Collection method: clinical testing. Allele origin: germline.